The following is an entry in ClinVar:

ClinVar aggregate classification (germline): Uncertain significance (1 of 4 stars; one submission).

Conditions:
FAT1-related disorder. Also called: FAT1-related condition.

Submission:

PreventionGenetics, part of Exact Sciences
Classification: Uncertain significance for FAT1-related condition. Last evaluated: 2023-06-02. Review status: criteria provided, single submitter. Criteria: ACMG Guidelines, 2015. Collection method: clinical testing. Allele origin: germline.
Comment: The FAT1 c.9530T>G variant is predicted to result in premature protein termination (p.Leu3177*). To our knowledge, this variant has not been reported in the literature or in a large population database, indicating this variant is rare. Nonsense variants in FAT1 are expected to be pathogenic. This variant is interpreted as likely pathogenic.

NM_005245.4(FAT1):c.9530T>G (p.Leu3177Ter)

Gene: FAT1 (FAT atypical cadherin 1; minus strand). Cytogenetic location: 4q35.2.
Variant type: single nucleotide variant.
Coding change: c.9530T>G on transcript NM_005245.4 (MANE Select); coding-DNA position 9530, T replaced by G.
Protein change: p.Leu3177Ter; replaces leucine 3177 with a stop codon.
Molecular consequence: nonsense.
Genome position (GRCh38, 1-based): chr4:186,611,709, A>C on the plus strand (T>G on the coding strand, the complement: FAT1 is on the minus strand). VCF-style: chr4-186611709-A-C. GRCh37 (hg19) VCF-style: chr4-187532863-A-C.
Other names: short protein forms L3177*.
Identifiers: ClinVar variation 2633478 (VCV002633478.1), dbSNP rs772599108, ClinGen allele CA358956680.
Genomic context (GRCh38, chr4:186,611,709, plus strand): 5'-AGGGTGTATACTGCCTGGAGTTCTCTGTCCAAAGGTTTTTCTAACTGAATAATTCCAGAT[A>C]ATTCGTTAATGGAGAACTGCCCATCAGCAGAGTCAATCAGTGAGTATAAAATCTTCCGAT-3'